The following is an entry in ClinVar:

NM_017534.6(MYH2):c.881C>T (p.Ser294Leu)

Genes: MYH2 (myosin heavy chain 2; minus strand), MYHAS (myosin heavy chain gene cluster antisense RNA; plus strand). Cytogenetic location: 17p13.1.
Variant type: single nucleotide variant.
Coding change: c.881C>T on transcript NM_017534.6 (MANE Select); coding-DNA position 881, C replaced by T.
Protein change: p.Ser294Leu; replaces serine 294 with leucine.
Molecular consequence: missense variant.
Genome position (GRCh38, 1-based): chr17:10,542,898, G>A on the plus strand (C>T on the coding strand, the complement: MYH2 is on the minus strand). VCF-style: chr17-10542898-G-A. GRCh37 (hg19) VCF-style: chr17-10446215-G-A.
Other names: c.881C>T, p.Ser294Leu (NM_001100112.2); short protein forms S294L.
Identifiers: ClinVar variation 1415912 (VCV001415912.6), dbSNP rs2073575109, ClinGen allele CA398166352.

ClinVar aggregate classification (germline): Uncertain significance (1 of 4 stars; one submission).

Conditions:
Myopathy, proximal, and ophthalmoplegia (CMYO6). Also called: CONGENITAL MYOPATHY 6 WITH OPHTHALMOPLEGIA; MYOPATHY WITH CONGENITAL JOINT CONTRACTURES, OPHTHALMOPLEGIA, AND RIMMED VACUOLES; INCLUSION BODY MYOPATHY 3, AUTOSOMAL DOMINANT. Identifiers: Orphanet 363677, Orphanet 79091, MedGen C1854106, MONDO:0011577, OMIM 605637.

Allele frequency attached by ClinVar (database versions not stated): gnomAD 0.00001; TOPMed 0.00001.
gnomAD v4.1: 8 of 1,608,346 alleles (0.0005%); highest among the groups gnomAD compares: African/African-American, 0.0027%; no homozygotes.

Submission:

Labcorp Genetics (formerly Invitae), Labcorp
Classification: Uncertain significance for Myopathy, proximal, and ophthalmoplegia. Last evaluated: 2024-09-11. Review status: criteria provided, single submitter. Criteria: Invitae Variant Classification Sherloc (09022015). Collection method: clinical testing. Allele origin: germline.
Comment: This sequence change replaces serine, which is neutral and polar, with leucine, which is neutral and non-polar, at codon 294 of the MYH2 protein (p.Ser294Leu). This variant is not present in population databases (gnomAD no frequency). This variant has not been reported in the literature in individuals affected with MYH2-related conditions. ClinVar contains an entry for this variant (Variation ID: 1415912). Invitae Evidence Modeling of protein sequence and biophysical properties (such as structural, functional, and spatial information, amino acid conservation, physicochemical variation, residue mobility, and thermodynamic stability) indicates that this missense variant is not expected to disrupt MYH2 protein function with a negative predictive value of 80%. In summary, the available evidence is currently insufficient to determine the role of this variant in disease. Therefore, it has been classified as a Variant of Uncertain Significance.